The following is an entry in ClinVar:

ClinVar aggregate classification (germline): Uncertain significance (1 of 4 stars; one submission).

Submission:

Labcorp Genetics (formerly Invitae), Labcorp
Classification: Uncertain significance. Last evaluated: 2023-02-11. Review status: criteria provided, single submitter. Criteria: Invitae Variant Classification Sherloc (09022015). Collection method: clinical testing. Allele origin: germline.
Comment: This variant has not been reported in the literature in individuals affected with COL4A2-related conditions. This variant is not present in population databases (gnomAD no frequency). This sequence change replaces proline, which is neutral and non-polar, with leucine, which is neutral and non-polar, at codon 150 of the COL4A2 protein (p.Pro150Leu). Advanced modeling of protein sequence and biophysical properties (such as structural, functional, and spatial information, amino acid conservation, physicochemical variation, residue mobility, and thermodynamic stability) performed at Invitae indicates that this missense variant is not expected to disrupt COL4A2 protein function. In summary, the available evidence is currently insufficient to determine the role of this variant in disease. Therefore, it has been classified as a Variant of Uncertain Significance.

NM_001846.4(COL4A2):c.449C>T (p.Pro150Leu)

Gene: COL4A2 (collagen type IV alpha 2 chain; plus strand). Cytogenetic location: 13q34.
Variant type: single nucleotide variant.
Coding change: c.449C>T on transcript NM_001846.4 (MANE Select); coding-DNA position 449, C replaced by T.
Protein change: p.Pro150Leu; replaces proline 150 with leucine.
Molecular consequence: missense variant.
Genome position (GRCh38, 1-based): chr13:110,428,555, C>T. VCF-style: chr13-110428555-C-T. GRCh37 (hg19) VCF-style: chr13-111080902-C-T.
Other names: short protein forms P150L.
Identifiers: ClinVar variation 2834864 (VCV002834864.3), dbSNP rs1880556487, ClinGen allele CA388729195.